The following is an entry in ClinVar:

ClinVar aggregate classification (germline): Uncertain significance (1 of 4 stars; one submission).

Allele frequency attached by ClinVar (database versions not stated): TOPMed below 0.00001.

Submission:

Labcorp Genetics (formerly Invitae), Labcorp
Classification: Uncertain significance. Last evaluated: 2023-11-24. Review status: criteria provided, single submitter. Criteria: Invitae Variant Classification Sherloc (09022015). Collection method: clinical testing. Allele origin: germline.
Comment: This sequence change replaces isoleucine, which is neutral and non-polar, with threonine, which is neutral and polar, at codon 223 of the TNFRSF9 protein (p.Ile223Thr). This variant is not present in population databases (gnomAD no frequency). This variant has not been reported in the literature in individuals affected with TNFRSF9-related conditions. An algorithm developed to predict the effect of missense changes on protein structure and function (PolyPhen-2) suggests that this variant is likely to be tolerated. In summary, the available evidence is currently insufficient to determine the role of this variant in disease. Therefore, it has been classified as a Variant of Uncertain Significance.

NM_001561.6(TNFRSF9):c.668T>C (p.Ile223Thr)

Gene: TNFRSF9 (TNF receptor superfamily member 9; minus strand). Cytogenetic location: 1p36.23.
Variant type: single nucleotide variant.
Coding change: c.668T>C on transcript NM_001561.6 (MANE Select); coding-DNA position 668, T replaced by C.
Protein change: p.Ile223Thr; replaces isoleucine 223 with threonine.
Molecular consequence: missense variant.
Genome position (GRCh38, 1-based): chr1:7,933,173, A>G on the plus strand (T>C on the coding strand, the complement: TNFRSF9 is on the minus strand). VCF-style: chr1-7933173-A-G. GRCh37 (hg19) VCF-style: chr1-7993233-A-G.
Other names: short protein forms I223T.
Identifiers: ClinVar variation 2695991 (VCV002695991.3), dbSNP rs1639759465, ClinGen allele CA338157911.